The following is an entry in ClinVar:

ClinVar aggregate classification (germline): Conflicting classifications of pathogenicity. Review status: criteria provided, conflicting classifications (1 of 4 stars). 2 submissions from 2 submitters: Pathogenic (1); Uncertain significance (1). Last evaluated 2025-01-19.

Conditions:
Ataxia-telangiectasia syndrome (AT). Also called: LOUIS-BAR SYNDROME; Cerebello-oculocutaneous telangiectasia; Immunodeficiency with ataxia telangiectasia; Ataxia-telangiectasia, complementation group D; AT, COMPLEMENTATION GROUP C; ATAXIA-TELANGIECTASIA, COMPLEMENTATION GROUP A. Identifiers: Orphanet 100, MedGen C0004135, MONDO:0008840, OMIM 208900.
Hereditary cancer-predisposing syndrome. Also called: Neoplastic Syndromes, Hereditary; Tumor predisposition; Hereditary Cancer Syndrome; Hereditary neoplastic syndrome. Identifiers: Orphanet 140162, MedGen C0027672, MeSH D009386, MONDO:0015356.

Submissions (2):

Labcorp Genetics (formerly Invitae), Labcorp
Classification: Pathogenic for Ataxia-telangiectasia syndrome. Last evaluated: 2025-01-19. Review status: criteria provided, single submitter. Criteria: Invitae Variant Classification Sherloc (09022015). Collection method: clinical testing. Allele origin: germline.
Comment: This variant, c.3846_3848del, results in the deletion of 1 amino acid(s) of the ATM protein (p.Leu1283del), but otherwise preserves the integrity of the reading frame. This variant is not present in population databases (gnomAD no frequency). This variant has not been reported in the literature in individuals affected with ATM-related conditions. Experimental studies and prediction algorithms are not available or were not evaluated, and the functional significance of this variant is currently unknown. This variant disrupts a region of the ATM protein in which other variant(s) (p.Leu1283Pro) have been determined to be pathogenic (PMID: 12072877, 21833744). This suggests that this is a clinically significant region of the protein, and that variants that disrupt it are likely to be disease-causing. For these reasons, this variant has been classified as Pathogenic.

Ambry Genetics
Classification: Uncertain significance for Hereditary cancer-predisposing syndrome. Last evaluated: 2022-10-12. Review status: criteria provided, single submitter. Criteria: Ambry Variant Classification Scheme 2023. Collection method: clinical testing. Allele origin: germline.
Comment: The c.3846_3848delTCT variant (also known as p.L1283del) is located in coding exon 25 of the ATM gene. This variant results from an in-frame TCT deletion at nucleotide positions 3846 to 3848. This results in the in-frame deletion of a leucine at codon 1283. This amino acid position is highly conserved in available vertebrate species. In addition, this alteration is predicted to be deleterious by in silico analysis (Choi Y et al. PLoS ONE. 2012; 7(10):e46688). Since supporting evidence is limited at this time, the clinical significance of this alteration remains unclear.

Literature cited by the submitters: PubMed 12072877 (cited by Labcorp Genetics (formerly Invitae), Labcorp); PubMed 21833744 (cited by Labcorp Genetics (formerly Invitae), Labcorp).

NM_000051.4(ATM):c.3843TCT[1] (p.Leu1283del)

Gene: ATM (ATM serine/threonine kinase; plus strand). Cytogenetic location: 11q22.3.
Variant type: Microsatellite.
Coding change: c.3843TCT[1] on transcript NM_000051.4 (MANE Select); one copy of the 3-base unit TCT starting at c.3843; the reference has two copies in a row; one copy, 3 bases deleted.
Protein change: p.Leu1283del; deletes leucine 1283.
Molecular consequence: inframe deletion. On other transcripts: inframe indel (2).
Genome position (GRCh38, 1-based): chr11:108,284,326-108,284,328, TCT deleted; deleting any 3 consecutive bases within chr11:108,284,323-108,284,328 gives the same sequence; the position shown is the placement nearest the transcript's 3' end. VCF-style (leftmost placement, unchanged base first): chr11-108284322-GTCT-G. GRCh37 (hg19) VCF-style: chr11-108155049-GTCT-G.
Other names: c.3843_3845TCT[1], p.Leu1283del (NM_000051.3); c.3843TCT[1], p.Leu1283del (NM_001351834.2); c.3846_3848delTCT (NM_000051.3); short protein forms L1283del.
Identifiers: ClinVar variation 1735465 (VCV001735465.7), dbSNP rs2546886681, ClinGen allele CA2580616450.
Genomic context (GRCh38, chr11:108,284,322, plus strand): 5'-TTAGAAGTCATTTTGATGAGGTGAAGTCCATTGCTAATCAGATTCAAGAGGACTGGAAAA[GTCT>G]TCTAACAGACTGCTTTCCAAAGATTCTTGTAAATATTCTTCCTTATTTTGCCTATGAGGG-3'